The following is an entry in ClinVar:

ClinVar aggregate classification (germline): Likely benign (0 of 4 stars; one submission).

Conditions:
MANF-related disorder. Also called: MANF-related condition.

Allele frequency attached by ClinVar (database versions not stated): gnomAD exomes 0.00004; ExAC 0.00015; ESP Exome Variant Server 0.00016; TOPMed 0.00038; gnomAD 0.00042; 1000 Genomes Project 30x 0.00047; 1000 Genomes Project 0.00060.
gnomAD v4.1: 118 of 1,609,796 alleles (0.0073%); highest among the groups gnomAD compares: African/African-American, 0.14%; 1 homozygote.

Submission:

PreventionGenetics, part of Exact Sciences
Classification: Likely benign for MANF-related condition. Last evaluated: 2019-09-18. Review status: no assertion criteria provided. Collection method: clinical testing. Allele origin: germline.
Comment: This variant is classified as likely benign based on ACMG/AMP sequence variant interpretation guidelines (Richards et al. 2015 PMID: 25741868, with internal and published modifications).

NM_006010.6(MANF):c.223-10A>C

Gene: MANF (mesencephalic astrocyte derived neurotrophic factor; plus strand). Cytogenetic location: 3p21.2.
Variant type: single nucleotide variant.
Coding change: c.223-10A>C on transcript NM_006010.6 (MANE Select); 10 bases into the intron before coding-DNA position 223, A replaced by C.
Molecular consequence: intron variant.
Genome position (GRCh38, 1-based): chr3:51,387,727, A>C. VCF-style: chr3-51387727-A-C. GRCh37 (hg19) VCF-style: chr3-51425158-A-C.
Identifiers: ClinVar variation 3041102 (VCV003041102.2), dbSNP rs371237072, ClinGen allele CA2422282.